The following is an entry in ClinVar:

ClinVar aggregate classification (germline): Uncertain significance (1 of 4 stars; one submission).

Conditions:
Charcot-Marie-Tooth disease axonal type 2O. Also called: CHARCOT-MARIE-TOOTH NEUROPATHY, AXONAL, TYPE 2O; CHARCOT-MARIE-TOOTH DISEASE, AXONAL, AUTOSOMAL DOMINANT, TYPE 2O; Charcot-Marie-Tooth Neuropathy Type 2O; Charcot-Marie-Tooth disease, axonal, type 20. Identifiers: Orphanet 284232, MedGen C3280220, MONDO:0013644, OMIM 614228.

Submission:

Labcorp Genetics (formerly Invitae), Labcorp
Classification: Uncertain significance for Charcot-Marie-Tooth disease axonal type 2O. Last evaluated: 2020-03-04. Review status: criteria provided, single submitter. Criteria: Invitae Variant Classification Sherloc (09022015). Collection method: clinical testing. Allele origin: germline.
Comment: This variant is not present in population databases (ExAC no frequency). This sequence change replaces tyrosine with histidine at codon 2638 of the DYNC1H1 protein (p.Tyr2638His). The tyrosine residue is highly conserved and there is a moderate physicochemical difference between tyrosine and histidine. Algorithms developed to predict the effect of missense changes on protein structure and function are either unavailable or do not agree on the potential impact of this missense change (SIFT: "Deleterious"; PolyPhen-2: "Possibly Damaging"; Align-GVGD: "Class C0"). In summary, the available evidence is currently insufficient to determine the role of this variant in disease. Therefore, it has been classified as a Variant of Uncertain Significance. This variant has not been reported in the literature in individuals with DYNC1H1-related conditions.

NM_001376.5(DYNC1H1):c.7912T>C (p.Tyr2638His)

Gene: DYNC1H1 (dynein cytoplasmic 1 heavy chain 1; plus strand). Cytogenetic location: 14q32.31.
Variant type: single nucleotide variant.
Coding change: c.7912T>C on transcript NM_001376.5 (MANE Select); coding-DNA position 7912, T replaced by C.
Protein change: p.Tyr2638His; replaces tyrosine 2638 with histidine.
Molecular consequence: missense variant.
Genome position (GRCh38, 1-based): chr14:102,017,151, T>C. VCF-style: chr14-102017151-T-C. GRCh37 (hg19) VCF-style: chr14-102483488-T-C.
Other names: short protein forms Y2638H.
Identifiers: ClinVar variation 1038566 (VCV001038566.8), dbSNP rs2048332764, ClinGen allele CA391003566.